The following is an entry in ClinVar:

ClinVar aggregate classification (germline): Likely benign (1 of 4 stars; one submission).

gnomAD v4.1: 118 of 1,614,068 alleles (0.0073%); highest among the groups gnomAD compares: East Asian, 0.047%; no homozygotes.

Submission:

CeGaT Center for Human Genetics Tuebingen
Classification: Likely benign. Last evaluated: 2025-11-01. Review status: criteria provided, single submitter. Criteria: CeGaT Center For Human Genetics Tuebingen Variant Classification Criteria Version 2. Collection method: clinical testing. Allele origin: germline. Affected: yes. Observed: 1 variant allele.
Comment: DSCAM: BP4, BP7

NM_001389.5(DSCAM):c.1287C>T (p.Asn429=)

Gene: DSCAM (DS cell adhesion molecule; minus strand). Cytogenetic location: 21q22.2.
Variant type: single nucleotide variant.
Coding change: c.1287C>T on transcript NM_001389.5 (MANE Select); coding-DNA position 1287, C replaced by T.
Protein change: p.Asn429=; no amino-acid change (asparagine 429 retained).
Molecular consequence: synonymous variant. On other transcripts: non-coding transcript variant (1).
Genome position (GRCh38, 1-based): chr21:40,339,339, G>A on the plus strand (C>T on the coding strand, the complement: DSCAM is on the minus strand). VCF-style: chr21-40339339-G-A. GRCh37 (hg19) VCF-style: chr21-41711266-G-A.
Other names: c.1287C>T, p.Asn429= (NM_001271534.3).
Identifiers: ClinVar variation 4534252 (VCV004534252.6).